The following is an entry in ClinVar:

ClinVar aggregate classification (germline): Uncertain significance (1 of 4 stars; one submission).

Conditions:
Hereditary cancer-predisposing syndrome. Also called: Hereditary neoplastic syndrome; Tumor predisposition; Hereditary Cancer Syndrome; Neoplastic Syndromes, Hereditary. Identifiers: Orphanet 140162, MedGen C0027672, MeSH D009386, MONDO:0015356.

Submission:

Ambry Genetics
Classification: Uncertain significance for Hereditary cancer-predisposing syndrome. Last evaluated: 2023-06-30. Review status: criteria provided, single submitter. Criteria: Ambry Variant Classification Scheme 2023. Collection method: clinical testing. Allele origin: germline.
Comment: The p.N981K variant (also known as c.2943T>A), located in coding exon 19 of the RAD50 gene, results from a T to A substitution at nucleotide position 2943. The asparagine at codon 981 is replaced by lysine, an amino acid with similar properties. This amino acid position is conserved. In addition, this alteration is predicted to be tolerated by in silico analysis. Since supporting evidence is limited at this time, the clinical significance of this alteration remains unclear.

NM_005732.4(RAD50):c.2943T>A (p.Asn981Lys)

Gene: RAD50 (RAD50 double strand break repair protein; plus strand). Cytogenetic location: 5q31.1.
Variant type: single nucleotide variant.
Coding change: c.2943T>A on transcript NM_005732.4 (MANE Select); coding-DNA position 2943, T replaced by A.
Protein change: p.Asn981Lys; replaces asparagine 981 with lysine.
Molecular consequence: missense variant.
Genome position (GRCh38, 1-based): chr5:132,609,303, T>A. VCF-style: chr5-132609303-T-A. GRCh37 (hg19) VCF-style: chr5-131944995-T-A.
Other names: short protein forms N981K.
Identifiers: ClinVar variation 2586240 (VCV002586240.2), dbSNP rs2479371559, ClinGen allele CA360960337.